The following is an entry in ClinVar:

ClinVar aggregate classification (germline): Uncertain significance (1 of 4 stars; one submission).

Conditions:
Polycystic kidney disease 3 with or without polycystic liver disease. Also called: Polycystic kidney disease 3; POLYCYSTIC KIDNEY DISEASE, ADULT, TYPE III; Polycystic Kidney and/or Polycystic Liver Disease 3. Identifiers: MedGen C3887964, MONDO:0010916, OMIM 600666.

Submission:

3billion
Classification: Uncertain significance for Polycystic kidney disease 3 with or without polycystic liver disease. Last evaluated: 2026-01-22. Review status: criteria provided, single submitter. Criteria: ACMG Guidelines, 2015. Collection method: clinical testing. Allele origin: germline. Affected: yes.
Comment: The variant is not observed in the gnomAD v4.1.0 dataset. Predicted Consequence/Location: Missense variant Damaging effect on gene or gene product predicted by in silico programs is uncertain [REVEL: 0.47 (damaging >=0.6, benign <0.4), 3Cnet: 0.07 (damaging >0.75, benign <0.1)]. The variant has been reported as of uncertain significance (ClinVar ID: VCV003098290). Therefore, this variant is classified as VUS according to the recommendation of ACMG/AMP guideline.

NM_198334.3(GANAB):c.296C>G (p.Thr99Ser)

Gene: GANAB (glucosidase II alpha subunit; minus strand). Cytogenetic location: 11q12.3.
Variant type: single nucleotide variant.
Coding change: c.296C>G on transcript NM_198334.3 (MANE Select); coding-DNA position 296, C replaced by G.
Protein change: p.Thr99Ser; replaces threonine 99 with serine.
Molecular consequence: missense variant. On other transcripts: 5 prime UTR variant (2), intron variant (2).
Genome position (GRCh38, 1-based): chr11:62,639,067, G>C on the plus strand (C>G on the coding strand, the complement: GANAB is on the minus strand). VCF-style: chr11-62639067-G-C. GRCh37 (hg19) VCF-style: chr11-62406539-G-C.
Other names: c.5C>G, p.Thr2Ser (NM_001278194.2, NM_001329222.2, NM_001329223.2); c.-481C>G (NM_001329224.2, NM_001329225.2); c.296C>G, p.Thr99Ser (NM_198335.4); c.39-4067C>G (NM_001278193.2, NM_001278192.2); short protein forms T2S, T99S.
Identifiers: ClinVar variation 4854250 (VCV004854250.1).